The following is an entry in ClinVar:

ClinVar aggregate classification (germline): Likely benign. Review status: criteria provided, multiple submitters, no conflicts (2 of 4 stars). 2 submissions from 2 submitters: Likely benign (2). Last evaluated 2025-05-22.

Conditions:
Christianson syndrome (MRXSCH). Also called: SLC9A6-Related Syndromic Mental Retardation; X-linked mental retardation, syndromic, Christianson type; INTELLECTUAL DEVELOPMENTAL DISORDER, X-LINKED, SYNDROMIC, CHRISTIANSON TYPE. Identifiers: Orphanet 85278, MedGen C2678194, MONDO:0010278, OMIM 300243.

Allele frequency attached by ClinVar (database versions not stated): gnomAD exomes below 0.00001 and 0.00001.
gnomAD v4.1: 4 of 1,193,610 alleles (0.00034%); highest among the groups gnomAD compares: Non-Finnish European, 0.00045%; no homozygotes.

Submissions (2):

Mayo Clinic Laboratories, Mayo Clinic
Classification: Likely benign. Last evaluated: 2025-05-22. Review status: criteria provided, single submitter. Criteria: ACMG Guidelines, 2015. Collection method: clinical testing. Allele origin: germline. Observed: 1 variant allele.
Comment: BS2, BP4, BP7

Labcorp Genetics (formerly Invitae), Labcorp
Classification: Likely benign for Christianson syndrome. Last evaluated: 2024-12-16. Review status: criteria provided, single submitter. Criteria: Invitae Variant Classification Sherloc (09022015). Collection method: clinical testing. Allele origin: germline.

NM_001379110.1(SLC9A6):c.1227T>C (p.Ile409=)

Gene: SLC9A6 (solute carrier family 9 member A6; plus strand). Cytogenetic location: Xq26.3.
Variant type: single nucleotide variant.
Coding change: c.1227T>C on transcript NM_001379110.1 (MANE Select); coding-DNA position 1227, T replaced by C.
Protein change: p.Ile409=; no amino-acid change (isoleucine 409 retained).
Molecular consequence: synonymous variant.
Genome position (GRCh38, 1-based): chrX:136,022,618, T>C. VCF-style: chrX-136022618-T-C. GRCh37 (hg19) VCF-style: chrX-135104777-T-C.
Other names: p.Ile429=; c.1383T>C, p.Ile461= (NM_001042537.2); c.1227T>C, p.Ile409= (NM_001177651.2); c.1131T>C, p.Ile377= (NM_001330652.2); c.1287T>C, p.Ile429= (NM_006359.3).
Identifiers: ClinVar variation 1139281 (VCV001139281.10), dbSNP rs1556620031, ClinGen allele CA518755203.